The following is an entry in ClinVar:

ClinVar aggregate classification (germline): Uncertain significance. Review status: criteria provided, multiple submitters, no conflicts (2 of 4 stars). 4 submissions from 4 submitters: Uncertain significance (4). Last evaluated 2026-04-24.

Conditions:
Inborn genetic diseases. Identifiers: MedGen C0950123, MeSH D030342.
Pontocerebellar hypoplasia type 1A (PCH1A). Also called: PONTOCEREBELLAR HYPOPLASIA WITH ANTERIOR HORN CELL DISEASE; PONTOCEREBELLAR HYPOPLASIA WITH INFANTILE SPINAL MUSCULAR ATROPHY. Identifiers: Orphanet 2254, Orphanet 88616, MedGen C1843504, MONDO:0011866, OMIM 607596.

Allele frequency attached by ClinVar (database versions not stated): gnomAD exomes below 0.00001 and 0.00001; ESP Exome Variant Server 0.00008; TOPMed below 0.00001; ExAC 0.00001.

Submissions (4):

GeneDx
Classification: Uncertain significance. Last evaluated: 2026-04-24. Review status: criteria provided, single submitter. Criteria: GeneDx Variant Classification Process June 2021. Collection method: clinical testing. Allele origin: germline.
Comment: Not observed at significant frequency in large population cohorts (gnomAD); Missense variants in this gene are a common cause of disease and they are underrepresented in the general population; In silico analysis supports that this missense variant has a deleterious effect on protein structure/function; Reported previously, with another VRK1 variant in trans, in a patient with progressive muscle weakness and wasting (PMID: 32242460); This variant is associated with the following publications: (PMID: 32242460)

Ambry Genetics
Classification: Uncertain significance for Inborn genetic diseases. Last evaluated: 2023-07-12. Review status: criteria provided, single submitter. Criteria: Ambry Variant Classification Scheme 2023. Collection method: clinical testing. Allele origin: germline.

Labcorp Genetics (formerly Invitae), Labcorp
Classification: Uncertain significance for Pontocerebellar hypoplasia type 1A. Last evaluated: 2022-02-11. Review status: criteria provided, single submitter. Criteria: Invitae Variant Classification Sherloc (09022015). Collection method: clinical testing. Allele origin: germline.
Comment: This sequence change replaces arginine, which is basic and polar, with cysteine, which is neutral and slightly polar, at codon 241 of the VRK1 protein (p.Arg241Cys). This variant is present in population databases (rs141703130, gnomAD 0.0009%). This missense change has been observed in individual(s) with clinical features of VRK1-related conditions (PMID: 32242460; Invitae). In at least one individual the data is consistent with being in trans (on the opposite chromosome) from a pathogenic variant. ClinVar contains an entry for this variant (Variation ID: 971947). Algorithms developed to predict the effect of missense changes on protein structure and function are either unavailable or do not agree on the potential impact of this missense change (SIFT: "Deleterious"; PolyPhen-2: "Probably Damaging"; Align-GVGD: "Class C0"). In summary, the available evidence is currently insufficient to determine the role of this variant in disease. Therefore, it has been classified as a Variant of Uncertain Significance.

Fulgent Genetics
Classification: Uncertain significance for Pontocerebellar hypoplasia type 1A. Last evaluated: 2021-08-04. Review status: criteria provided, single submitter. Criteria: ACMG Guidelines, 2015. Collection method: clinical testing. Allele origin: unknown.

Literature cited by the submitters: PubMed 32242460 (cited by Ambry Genetics and Labcorp Genetics (formerly Invitae), Labcorp).

NM_003384.3(VRK1):c.721C>T (p.Arg241Cys)

Gene: VRK1 (VRK serine/threonine kinase 1; plus strand). Cytogenetic location: 14q32.2.
Variant type: single nucleotide variant.
Coding change: c.721C>T on transcript NM_003384.3 (MANE Select); coding-DNA position 721, C replaced by T.
Protein change: p.Arg241Cys; replaces arginine 241 with cysteine.
Molecular consequence: missense variant.
Genome position (GRCh38, 1-based): chr14:96,856,141, C>T. VCF-style: chr14-96856141-C-T. GRCh37 (hg19) VCF-style: chr14-97322478-C-T.
Other names: short protein forms R241C.
Identifiers: ClinVar variation 971947 (VCV000971947.11), dbSNP rs141703130, ClinGen allele CA7339073.